The following is an entry in ClinVar:

NM_024408.4(NOTCH2):c.3433T>C (p.Tyr1145His)

Gene: NOTCH2 (notch receptor 2; minus strand). Cytogenetic location: 1p12.
Variant type: single nucleotide variant.
Coding change: c.3433T>C on transcript NM_024408.4 (MANE Select); coding-DNA position 3433, T replaced by C.
Protein change: p.Tyr1145His; replaces tyrosine 1145 with histidine.
Molecular consequence: missense variant.
Genome position (GRCh38, 1-based): chr1:119,937,371, A>G on the plus strand (T>C on the coding strand, the complement: NOTCH2 is on the minus strand). VCF-style: chr1-119937371-A-G. GRCh37 (hg19) VCF-style: chr1-120479994-A-G.
Other names: c.3433T>C, p.Tyr1145His (NM_001200001.2); c.3433T>C (NM_024408.3); short protein forms Y1145H.
Identifiers: ClinVar variation 3014744 (VCV003014744.4), dbSNP rs1553195857, ClinGen allele CA341852003.

ClinVar aggregate classification (germline): Uncertain significance. Review status: criteria provided, multiple submitters, no conflicts (2 of 4 stars). 2 submissions from 2 submitters: Uncertain significance (2). Last evaluated 2025-09-11.

Conditions:
Inborn genetic diseases. Identifiers: MedGen C0950123, MeSH D030342.
Hajdu-Cheney syndrome (HJCYS). Also called: SERPENTINE FIBULA-POLYCYSTIC KIDNEY SYNDROME; ACROOSTEOLYSIS WITH OSTEOPOROSIS AND CHANGES IN SKULL AND MANDIBLE; Acroosteolysis dominant type. Identifiers: Orphanet 955, MedGen C0917715, MONDO:0007057, OMIM 102500.

Allele frequency attached by ClinVar (database versions not stated): gnomAD 0.00001.
gnomAD v4.1: 2 of 1,614,040 alleles (0.00012%); highest among the groups gnomAD compares: Non-Finnish European, 0.000085%; no homozygotes.

Submissions (2):

Labcorp Genetics (formerly Invitae), Labcorp
Classification: Uncertain significance for Hajdu-Cheney syndrome. Last evaluated: 2025-09-11. Review status: criteria provided, single submitter. Criteria: Invitae Variant Classification Sherloc (09022015). Collection method: clinical testing. Allele origin: germline.
Comment: This sequence change replaces tyrosine, which is neutral and polar, with histidine, which is basic and polar, at codon 1145 of the NOTCH2 protein (p.Tyr1145His). This variant is present in population databases (no rsID available, gnomAD 0.0009%). This variant has not been reported in the literature in individuals affected with NOTCH2-related conditions. ClinVar contains an entry for this variant (Variation ID: 3014744). An algorithm developed to predict the effect of missense changes on protein structure and function (PolyPhen-2) suggests that this variant is likely to be disruptive. In summary, the available evidence is currently insufficient to determine the role of this variant in disease. Therefore, it has been classified as a Variant of Uncertain Significance.

Ambry Genetics
Classification: Uncertain significance for Inborn genetic diseases. Last evaluated: 2025-08-26. Review status: criteria provided, single submitter. Criteria: Ambry Variant Classification Scheme 2023. Collection method: clinical testing. Allele origin: germline.